The following is an entry in ClinVar:

ClinVar aggregate classification (germline): Uncertain significance. Review status: criteria provided, multiple submitters, no conflicts (2 of 4 stars). 2 submissions from 2 submitters: Uncertain significance (2). Last evaluated 2023-12-23.

Conditions:
Neuroblastoma, susceptibility to, 3. Also called: ALK-Related Neuroblastic Tumor Susceptibility. Identifiers: Orphanet 635, MedGen C2751681, MONDO:0013083, OMIM 613014.
Hereditary cancer-predisposing syndrome. Also called: Hereditary Cancer Syndrome; Tumor predisposition; Neoplastic Syndromes, Hereditary; Hereditary neoplastic syndrome. Identifiers: Orphanet 140162, MedGen C0027672, MeSH D009386, MONDO:0015356.

gnomAD v4.1: 1 of 1,614,218 alleles (0.000062%); highest among the groups gnomAD compares: African/African-American, 0.0013%; no homozygotes.

Submissions (2):

Ambry Genetics
Classification: Uncertain significance for Hereditary cancer-predisposing syndrome. Last evaluated: 2023-12-23. Review status: criteria provided, single submitter. Criteria: Ambry Variant Classification Scheme 2023. Collection method: clinical testing. Allele origin: germline.
Comment: The p.E1513Q variant (also known as c.4537G>C), located in coding exon 29 of the ALK gene, results from a G to C substitution at nucleotide position 4537. The glutamic acid at codon 1513 is replaced by glutamine, an amino acid with highly similar properties. This amino acid position is conserved. In addition, the in silico prediction for this alteration is inconclusive. Since supporting evidence is limited at this time, the clinical significance of this alteration remains unclear.

Labcorp Genetics (formerly Invitae), Labcorp
Classification: Uncertain significance for Neuroblastoma, susceptibility to, 3. Last evaluated: 2023-01-02. Review status: criteria provided, single submitter. Criteria: Invitae Variant Classification Sherloc (09022015). Collection method: clinical testing. Allele origin: germline.
Comment: This variant has not been reported in the literature in individuals affected with ALK-related conditions. ClinVar contains an entry for this variant (Variation ID: 648409). Algorithms developed to predict the effect of missense changes on protein structure and function are either unavailable or do not agree on the potential impact of this missense change (SIFT: "Deleterious"; PolyPhen-2: "Probably Damaging"; Align-GVGD: "Class C0"). This variant is not present in population databases (gnomAD no frequency). In summary, the available evidence is currently insufficient to determine the role of this variant in disease. Therefore, it has been classified as a Variant of Uncertain Significance. This sequence change replaces glutamic acid, which is acidic and polar, with glutamine, which is neutral and polar, at codon 1513 of the ALK protein (p.Glu1513Gln).

NM_004304.5(ALK):c.4537G>C (p.Glu1513Gln)

Gene: ALK (ALK receptor tyrosine kinase; minus strand). Cytogenetic location: 2p23.2.
Variant type: single nucleotide variant.
Coding change: c.4537G>C on transcript NM_004304.5 (MANE Select); coding-DNA position 4537, G replaced by C.
Protein change: p.Glu1513Gln; replaces glutamic acid 1513 with glutamine.
Molecular consequence: missense variant.
Genome position (GRCh38, 1-based): chr2:29,193,550, C>G on the plus strand (G>C on the coding strand, the complement: ALK is on the minus strand). VCF-style: chr2-29193550-C-G. GRCh37 (hg19) VCF-style: chr2-29416416-C-G.
Other names: c.1333G>C, p.Glu445Gln (NM_001353765.2); short protein forms E1513Q, E445Q.
Identifiers: ClinVar variation 648409 (VCV000648409.9), dbSNP rs374733353, ClinGen allele CA346460925.